The following is an entry in ClinVar:

ClinVar aggregate classification (germline): Conflicting classifications of pathogenicity. Review status: criteria provided, conflicting classifications (1 of 4 stars). 3 submissions from 3 submitters: Likely pathogenic (2); Uncertain significance (1). Last evaluated 2025-08-28.

Conditions:
Familial cancer of breast. Also called: BREAST CANCER, FAMILIAL; hereditary breast carcinoma; Hereditary breast cancer. Identifiers: Orphanet 227535, MedGen C0346153, MONDO:0016419, OMIM 114480. Disease mechanism: loss of function.
Hereditary cancer-predisposing syndrome. Also called: Neoplastic Syndromes, Hereditary; Tumor predisposition; Hereditary Cancer Syndrome; Hereditary neoplastic syndrome. Identifiers: Orphanet 140162, MedGen C0027672, MeSH D009386, MONDO:0015356.
Hereditary breast ovarian cancer syndrome. Also called: Hereditary breast and ovarian cancer syndrome; Hereditary breast and ovarian cancer syndrome (HBOC); Hereditary breast and ovarian cancer; BRCA1- and BRCA2-Associated Hereditary Breast and Ovarian Cancer; Breast and ovarian cancer; Hereditary breast and/or ovarian cancer syndrome. Identifiers: Orphanet 145, MedGen C0677776, MeSH D061325, MONDO:0003582. Disease mechanism: loss of function.

Allele frequency attached by ClinVar (database versions not stated): gnomAD exomes below 0.00001; ExAC 0.00001.
gnomAD v4.1: 2 of 1,612,452 alleles (0.00012%); highest among the groups gnomAD compares: East Asian, 0.0022%; no homozygotes.

Submissions (3):

Ambry Genetics
Classification: Likely pathogenic for Hereditary cancer-predisposing syndrome. Last evaluated: 2025-08-28. Review status: criteria provided, single submitter. Criteria: Ambry Variant Classification Scheme 2023. Collection method: clinical testing. Allele origin: germline.
Comment: The c.158G>A variant (also known as p.C53Y), located in coding exon 1 of the BARD1 gene, results from a G to A substitution at nucleotide position 158. The amino acid change results in cysteine to tyrosine at codon 53, an amino acid with highly dissimilar properties. However, this change occurs in the last base pair of coding exon 1, which makes it likely to have some effect on normal mRNA splicing. This nucleotide position is highly conserved in available vertebrate species. In silico splice site analysis predicts that this alteration will weaken the native splice donor site and will result in the creation or strengthening of a novel splice donor site. RNA studies have demonstrated that this alteration results in abnormal splicing in the set of samples tested (Ambry internal data). Based on the majority of available evidence to date, this variant is likely to be pathogenic.

Labcorp Genetics (formerly Invitae), Labcorp
Classification: Likely pathogenic for Familial cancer of breast. Last evaluated: 2025-07-27. Review status: criteria provided, single submitter. Criteria: Invitae Variant Classification Sherloc (09022015). Collection method: clinical testing. Allele origin: germline.
Comment: This sequence change replaces cysteine, which is neutral and slightly polar, with tyrosine, which is neutral and polar, at codon 53 of the BARD1 protein (p.Cys53Tyr). RNA analysis indicates that this missense change induces altered splicing and may result in an absent or altered protein product. This variant is present in population databases (rs747582517, gnomAD 0.0009%). This variant has not been reported in the literature in individuals affected with BARD1-related conditions. ClinVar contains an entry for this variant (Variation ID: 460712). An algorithm developed to predict the effect of missense changes on protein structure and function (PolyPhen-2) suggests that this variant is likely to be disruptive. Variants that disrupt the consensus splice site are a relatively common cause of aberrant splicing (PMID: 17576681, 9536098). Studies have shown that this missense change results in deletion of 4 nucleotides, and produces a non-functional protein and/or introduces a premature termination codon (internal data). In summary, the currently available evidence indicates that the variant is pathogenic, but additional data are needed to prove that conclusively. Therefore, this variant has been classified as Likely Pathogenic.

German Consortium for Hereditary Breast and Ovarian Cancer, University Hospital Cologne
Classification: Uncertain significance for Hereditary breast ovarian cancer syndrome. Last evaluated: 2024-05-14. Review status: criteria provided, single submitter. Criteria: ACMG Guidelines, 2015. Collection method: curation. Allele origin: germline.
Comment: RNA-Analysis required; According to the ACMG SVI adaptation criteria we chose these criteria: PM2 (supporting pathogenic): not in gnomAD v3, PP3 (supporting pathogenic): spliceAI: 0.87, REVEL: 0.815

Literature cited by the submitters: PubMed 17576681 (cited by Labcorp Genetics (formerly Invitae), Labcorp); PubMed 9536098 (cited by Labcorp Genetics (formerly Invitae), Labcorp).

NM_000465.4(BARD1):c.158G>A (p.Cys53Tyr)

Gene: BARD1 (BRCA1 associated RING domain 1; minus strand). Cytogenetic location: 2q35.
Variant type: single nucleotide variant.
Coding change: c.158G>A on transcript NM_000465.4 (MANE Select); coding-DNA position 158, G replaced by A.
Protein change: p.Cys53Tyr; replaces cysteine 53 with tyrosine.
Molecular consequence: missense variant. On other transcripts: non-coding transcript variant (3).
Genome position (GRCh38, 1-based): chr2:214,809,412, C>T on the plus strand (G>A on the coding strand, the complement: BARD1 is on the minus strand). VCF-style: chr2-214809412-C-T. GRCh37 (hg19) VCF-style: chr2-215674136-C-T.
Other names: c.158G>A (NM_000465.2); c.158G>A, p.Cys53Tyr (NM_001282543.2, NM_001282545.2, NM_001282548.2 and 1 more transcripts); short protein forms C53Y.
Identifiers: ClinVar variation 460712 (VCV000460712.12), dbSNP rs747582517, ClinGen allele CA2090506.